The following is an entry in ClinVar:

ClinVar aggregate classification (germline): Uncertain significance (1 of 4 stars; one submission).

Conditions:
FGB-related disorder. Also called: FGB-related condition.

Allele frequency attached by ClinVar (database versions not stated): gnomAD exomes below 0.00001; ExAC 0.00001.
gnomAD v4.1: 1 of 1,614,156 alleles (0.000062%); highest among the groups gnomAD compares: Admixed American, 0.0017%; no homozygotes.

Submission:

PreventionGenetics, part of Exact Sciences
Classification: Uncertain significance for FGB-related condition. Last evaluated: 2023-01-11. Review status: criteria provided, single submitter. Criteria: ACMG Guidelines, 2015. Collection method: clinical testing. Allele origin: germline.
Comment: The FGB c.844A>T variant is predicted to result in the amino acid substitution p.Ile282Phe. To our knowledge, this variant has not been reported in the literature. This variant is reported in 0.0029% of alleles in individuals of Latino descent in gnomAD. At this time, the clinical significance of this variant is uncertain due to the absence of conclusive functional and genetic evidence.

NM_005141.5(FGB):c.844A>T (p.Ile282Phe)

Gene: FGB (fibrinogen beta chain; plus strand). Cytogenetic location: 4q31.3.
Variant type: single nucleotide variant.
Coding change: c.844A>T on transcript NM_005141.5 (MANE Select); coding-DNA position 844, A replaced by T.
Protein change: p.Ile282Phe; replaces isoleucine 282 with phenylalanine.
Molecular consequence: missense variant. On other transcripts: intron variant (1).
Genome position (GRCh38, 1-based): chr4:154,569,193, A>T. VCF-style: chr4-154569193-A-T. GRCh37 (hg19) VCF-style: chr4-155490345-A-T.
Other names: c.667A>T, p.Ile223Phe (NM_001184741.1); c.712A>T, p.Ile238Phe (NM_001382759.1); c.844A>T, p.Ile282Phe (NM_001382760.1, NM_001382761.1, NM_001382764.1 and 1 more transcripts); c.835A>T, p.Ile279Phe (NM_001382763.1); c.746-408A>T (NM_001382762.1); short protein forms I223F, I238F, I279F, I282F.
Identifiers: ClinVar variation 2630108 (VCV002630108.1), dbSNP rs746420120, ClinGen allele CA3114653.